The following is an entry in ClinVar:

NC_000003.11:g.(?_4669427)_(4715091_?)del

Gene: ITPR1 (inositol 1,4,5-trisphosphate receptor type 1; plus strand). Cytogenetic location: 3p26.1.
Variant type: Deletion.
Identifiers: ClinVar variation 2424372 (VCV002424372.4).

ClinVar aggregate classification (germline): Pathogenic (1 of 4 stars; one submission).

Submission:

Labcorp Genetics (formerly Invitae), Labcorp
Classification: Pathogenic. Last evaluated: 2022-07-21. Review status: criteria provided, single submitter. Criteria: Invitae Variant Classification Sherloc (09022015). Collection method: clinical testing. Allele origin: germline.
Comment: This variant is a gross deletion of the genomic region encompassing exon(s) 5-20 of the ITPR1 gene. This deletion is out-of-frame, and is expected to create a premature termination codon and result in an absent or disrupted protein product. Loss-of-function variants in ITPR1 are known to be pathogenic (PMID: 27108797). This variant has not been reported in the literature in individuals affected with ITPR1-related conditions. For these reasons, this variant has been classified as Pathogenic.

Literature cited by the submitters: PubMed 27108797.